The following is an entry in ClinVar:

NC_000006.11:g.(?_129465026)_(129465245_?)del

Gene: LAMA2 (laminin subunit alpha 2; plus strand). Cytogenetic location: 6q22.33.
Variant type: Deletion.
Identifiers: ClinVar variation 3246053 (VCV003246053.1).

ClinVar aggregate classification (germline): Pathogenic (1 of 4 stars; one submission).

Conditions:
LAMA2-related muscular dystrophy (LAMA2-RD). Also called: Laminin alpha 2-related dystrophy. Identifiers: MedGen C5679788, MONDO:0100228.

Submission:

Labcorp Genetics (formerly Invitae), Labcorp
Classification: Pathogenic for LAMA2-related muscular dystrophy. Last evaluated: 2023-05-31. Review status: criteria provided, single submitter. Criteria: Invitae Variant Classification Sherloc (09022015). Collection method: clinical testing. Allele origin: unknown.
Comment: For these reasons, this variant has been classified as Pathogenic. This variant disrupts a region of the LAMA2 protein in which other variant(s) (p.Arg222Ser) have been determined to be pathogenic (Invitae). This suggests that this is a clinically significant region of the protein, and that variants that disrupt it are likely to be disease-causing. A similar copy number variant has been observed in individual(s) with congenital muscular dystrophy (PMID: 24611677). In at least one individual the data is consistent with being in trans (on the opposite chromosome) from a pathogenic variant. It has also been observed to segregate with disease in related individuals. This variant is a gross deletion of the genomic region encompassing exon(s) 5 of the LAMA2 gene. This variant would be expected to be in-frame, preserving the integrity of the reading frame.

Literature cited by the submitters: PubMed 24611677.